The following is an entry in ClinVar:

ClinVar aggregate classification (germline): Pathogenic (1 of 4 stars; one submission).

Submission:

ISCA site 4
Classification: Pathogenic. Last evaluated: 2011-08-12. Review status: criteria provided, single submitter. Criteria: Kaminsky et al. (Genet Med. 2011). Collection method: clinical testing. Allele origin: maternal. Affected: yes. Observed: 2 variant alleles.
Comment: Copy number variation identified through the course of routine clinical cytogenomic testing in postnatal populations. Clinical assertions have been curated as described in Kaminsky et al. 2011.

GRCh38/hg38 15q13.2-13.3(chr15:30527262-32343758)x1

Genes: ARHGAP11B (Rho GTPase activating protein 11B), ARHGAP11B-DT (ARHGAP11B divergent transcript), CHRNA7 (cholinergic receptor nicotinic alpha 7 subunit), FAN1 (FANCD2 and FANCI associated nuclease 1; plus strand), GOLGA8H (golgin A8 family member H) and 29 more. Cytogenetic location: 15q13.2-13.3.
Variant type: copy number loss.
Change: copy number 1 (one copy instead of two) of chr15:30,527,262-32,343,758 (1.82 Mb, GRCh38 coordinates, 1-based), cytogenetic band 15q13.2-13.3.
Identifiers: ClinVar variation 58674 (VCV000058674.1).